The following is an entry in ClinVar:

NM_001165963.4(SCN1A):c.4427A>C (p.Asn1476Thr)

Genes: SCN1A (sodium voltage-gated channel alpha subunit 1; minus strand), LOC102724058 (uncharacterized LOC102724058; plus strand). Cytogenetic location: 2q24.3.
Variant type: single nucleotide variant.
Coding change: c.4427A>C on transcript NM_001165963.4 (MANE Select); coding-DNA position 4427, A replaced by C.
Protein change: p.Asn1476Thr; replaces asparagine 1476 with threonine.
Molecular consequence: missense variant. On other transcripts: non-coding transcript variant (1).
Genome position (GRCh38, 1-based): chr2:165,998,087, T>G on the plus strand (A>C on the coding strand, the complement: SCN1A is on the minus strand). VCF-style: chr2-165998087-T-G. GRCh37 (hg19) VCF-style: chr2-166854597-T-G.
Other names: c.4343A>C, p.Asn1448Thr (NM_001165964.3, NM_001353957.2, NM_001353958.2); c.4427A>C, p.Asn1476Thr (NM_001202435.3, NM_001353948.2); c.4394A>C, p.Asn1465Thr (NM_001353949.2, NM_001353950.2, NM_001353951.2 and 2 more transcripts); c.4391A>C, p.Asn1464Thr (NM_001353954.2, NM_001353955.2); c.4340A>C, p.Asn1447Thr (NM_001353960.2); c.1985A>C, p.Asn662Thr (NM_001353961.2); short protein forms N1447T, N1448T, N1464T, N1465T, N1476T, N662T.
Identifiers: ClinVar variation 1174587 (VCV001174587.5), dbSNP rs2105476040, ClinGen allele CA349049312.
Genomic context (GRCh38, chr2:165,998,087, plus strand): 5'-GAAATACTTATCTTCTTTTTCTGCTGGTTGAAATTATCTATGATGACACCAATAAACAGG[T>G]TCAAGGTGAAGAAGGACCCAAAGATGATGAAAATAACAAAGTAAAGATACATGTACAGAC-3'
Protein context (NP_001159435.1, residues 1466-1486): FIIFGSFFTL[Asn1476Thr]LFIGVIIDNF

ClinVar aggregate classification (germline): Uncertain significance. Review status: criteria provided, multiple submitters, no conflicts (2 of 4 stars). 2 submissions from 2 submitters: Uncertain significance (2). Last evaluated 2023-05-20.

Conditions:
Developmental and epileptic encephalopathy, 76. Also called: EPILEPTIC ENCEPHALOPATHY, EARLY INFANTILE, 76; DEVELOPMENTAL DELAY, EPILEPTIC ENCEPHALOPATHY, CEREBRAL ATROPHY, AND ABNORMAL MYELINATION. Identifiers: MedGen C5193113, MONDO:0032768, OMIM 618468.
Severe myoclonic epilepsy in infancy (DRVT). Also called: SEVERE MYOCLONIC EPILEPSY OF INFANCY; DEVELOPMENTAL AND EPILEPTIC ENCEPHALOPATHY 6A; Severe Myoclonic Epilepsy in Infancy (SMEI); Dravet syndrome; Epileptic encephalopathy, early infantile, 6 (Dravet syndrome). Identifiers: Orphanet 33069, MedGen C0751122, MONDO:0100135, OMIM 607208.

Submissions (2):

Neuberg Centre For Genomic Medicine, NCGM
Classification: Uncertain significance for Developmental and epileptic encephalopathy, 76. Last evaluated: 2023-05-20. Review status: criteria provided, single submitter. Criteria: ACMG Guidelines, 2015. Collection method: clinical testing. Allele origin: germline. Inheritance: Autosomal dominant inheritance. Affected: yes.
Comment: The missense c.4427A>C (p.Asn1476Thr) variant in the VWF gene which is located in a mutational hot spot has not been reported previously as a pathogenic variant nor as a benign variant, to our knowledge. Different amino acid change (p.Asn1476Lys/ p.Asn1476Ser/ p.Asn1476Tyr) is reported as a known pathogenic and likely pathogenic variant in ClinVar but with a phenotype of Severe myoclonic epilepsy in infancy. This p.Asn1476Thr variant has been reported to the ClinVar database as Uncertain significance. This variant is absent in the gnomAD Exomes. The amino acid Asparagine at position 1476 is changed to a Threonine changing protein sequence and it might alter its composition and physico-chemical properties. Multiple lines of computational evidence (Polyphen - Damaging, SIFT - Damaging and MutationTaster - Disease causing) predict a damaging effect on protein structure and function for this variant. The amino acid change p.Asn1476Thr in SCN1A is predicted as conserved by GERP++ and PhyloP across 100 vertebrates. For these reasons, this variant has been classified as uncertain significance. The classification of the variant could be changed to likely pathogenic if proved De-novo or if more literature becomes available.

Lifecell International Pvt. Ltd
Classification: Uncertain significance for Severe myoclonic epilepsy in infancy. Review status: criteria provided, single submitter. Criteria: ACMG Guidelines 2015. Collection method: clinical testing. Allele origin: germline. Inheritance: Autosomal dominant inheritance. Affected: yes. Observed: 1 variant allele, 1 heterozygote.
Comment: A heterozygous missense variant (c.4427A>C) in exon 26 of the SCN1A gene that results in the amino acid substitution from asparagine to threonine at codon 1476 (p.Asn1476Thr) was identified. The observed variant is not present in both the 1000 Genomes and gnomAD databases. In our internal database of 3100 samples, this variant has not been observed in any other sample. The reference base is conserved across the species, present in Ion transport protein domain of the protein and in-silico predictions by Polyphen and SIFT are damaging. The Missense Variants Z-Score for this variant is 5.61. Missense Variants Z-Score is produced by the Exome Aggregation Consortium (60,706 adult humans) by computing a signed Z score for the deviation of observed counts from the expected number. Positive Z scores indicate increased constraint (intolerance to variation) and therefore that the gene had fewer missense variants than expected. (DOI: 10.1038/nature19057). The Missense Badness Score and MPC value for this variant are 0.37 and 1.70, respectively. Missense Badness Score is the normalized fold difference of missense substitutions between observed and expected variants from ExAC dataset. This score is then combined with orthogonal deleteriousness metrics into one score called MPC (for Missense badness, PolyPhen-2, and Constraint) designed to classify whether a missense variants is deleterious. Variants with MPC â‰¥ 2 have a rate nearly 6 times higher in cases than in controls. While those with intermediate MPC values (1 â‰¤ MPC < 2) have a more modest excess in cases. Another missense variant, p.Asn1476Lys, affecting the same codon as the observed variant has been reported as Pathogenic in ClinVar with respect to epilepsy. The variant lies in a hot-spot region wherein 8 variants within 6 amino acid positions of this variant have been shown to be pathogenic. Based on the above evidence this variant has been classified as Variant of uncertain significance according to the ACMG guidelines